The following is an entry in ClinVar:

NM_001330260.2(SCN8A):c.2509G>A (p.Val837Met)

Gene: SCN8A (sodium voltage-gated channel alpha subunit 8; plus strand). Cytogenetic location: 12q13.13.
Variant type: single nucleotide variant.
Coding change: c.2509G>A on transcript NM_001330260.2 (MANE Select); coding-DNA position 2509, G replaced by A.
Protein change: p.Val837Met; replaces valine 837 with methionine.
Molecular consequence: missense variant.
Genome position (GRCh38, 1-based): chr12:51,762,641, G>A. VCF-style: chr12-51762641-G-A. GRCh37 (hg19) VCF-style: chr12-52156425-G-A.
Other names: c.2509G>A, p.Val837Met (NM_001177984.3, NM_001369788.1, NM_014191.4); c.2509G>A (NM_014191.2); short protein forms V837M.
Identifiers: ClinVar variation 1318574 (VCV001318574.6), dbSNP rs2138857855, ClinGen allele CA384884586.

ClinVar aggregate classification (germline): Uncertain significance. Review status: criteria provided, multiple submitters, no conflicts (2 of 4 stars). 3 submissions from 3 submitters: Uncertain significance (3). Last evaluated 2025-12-09.

Conditions:
Early-infantile DEE. Also called: Early infantile epileptic encephalopathy; Early infantile epileptic encephalopathy with suppression bursts; Ohtahara syndrome. Identifiers: Orphanet 1934, MedGen C0393706, MONDO:0800491.
Inborn genetic diseases. Identifiers: MedGen C0950123, MeSH D030342.

Allele frequency attached by ClinVar (database versions not stated): gnomAD exomes below 0.00001.
gnomAD v4.1: 2 of 1,605,870 alleles (0.00012%); highest among the groups gnomAD compares: Non-Finnish European, 0.00017%; no homozygotes.

Submissions (3):

Ambry Genetics
Classification: Uncertain significance for Inborn genetic diseases. Last evaluated: 2025-12-09. Review status: criteria provided, single submitter. Criteria: Ambry Variant Classification Scheme 2023. Collection method: clinical testing. Allele origin: germline.

Labcorp Genetics (formerly Invitae), Labcorp
Classification: Uncertain significance for Early-infantile DEE. Last evaluated: 2023-05-05. Review status: criteria provided, single submitter. Criteria: Invitae Variant Classification Sherloc (09022015). Collection method: clinical testing. Allele origin: germline.
Comment: In summary, the available evidence is currently insufficient to determine the role of this variant in disease. Therefore, it has been classified as a Variant of Uncertain Significance. Advanced modeling of protein sequence and biophysical properties (such as structural, functional, and spatial information, amino acid conservation, physicochemical variation, residue mobility, and thermodynamic stability) has been performed at Invitae for this missense variant, however the output from this modeling did not meet the statistical confidence thresholds required to predict the impact of this variant on SCN8A protein function. This sequence change replaces valine, which is neutral and non-polar, with methionine, which is neutral and non-polar, at codon 837 of the SCN8A protein (p.Val837Met). This variant is not present in population databases (gnomAD no frequency). This variant has not been reported in the literature in individuals affected with SCN8A-related conditions. ClinVar contains an entry for this variant (Variation ID: 1318574).

GeneDx
Classification: Uncertain significance. Last evaluated: 2019-07-11. Review status: criteria provided, single submitter. Criteria: GeneDx Variant Classification Process June 2021. Collection method: clinical testing. Allele origin: germline. Affected: yes.
Comment: Not observed in large population cohorts (Lek et al., 2016); The majority of missense variants in this gene are considered pathogenic (Stenson et al., 2014); In silico analysis, which includes protein predictors and evolutionary conservation, supports that this variant does not alter protein structure/function; Has not been previously published as pathogenic or benign to our knowledge; This substitution is predicted to be within the transmembrane segment S3 of the second homologous domain